The following is an entry in ClinVar:

NM_001042432.2(CLN3):c.222+9CT[2]

Gene: CLN3 (CLN3 lysosomal/endosomal transmembrane protein, battenin; minus strand). Cytogenetic location: 16p12.1.
Variant type: Microsatellite.
Coding change: c.222+9CT[2] on transcript NM_001042432.2 (MANE Select); two copies in a row of the 2-base unit CT starting at c.222+9; the reference has three copies in a row; one copy, 2 bases deleted.
Molecular consequence: intron variant.
Genome position (GRCh38, 1-based): chr16:28,489,276-28,489,277, AG deleted on the plus strand (CT on the coding strand, the reverse complement: CLN3 is on the minus strand); deleting any 2 consecutive bases within chr16:28,489,276-28,489,281 gives the same sequence; the position shown is the placement nearest the transcript's 3' end. VCF-style (leftmost placement, unchanged base first): chr16-28489275-TAG-T. GRCh37 (hg19) VCF-style: chr16-28500596-TAG-T.
Other names: c.222+13_222+14delCT (NM_001042432.1); c.60+9CT[2] (NM_001286109.2, NM_001286110.2); c.222+9CT[2] (NM_001286104.2, NM_000086.2); c.2+9CT[2] (NM_001286105.2).
Identifiers: ClinVar variation 421235 (VCV000421235.4), dbSNP rs1064794997, ClinGen allele CA16620181.
Genomic context (GRCh38, chr16:28,489,275, plus strand): 5'-TTTACCCCACCTTGTCCCACCCCCTCATCTTCCCACAGGGACTAACCATGGTGGTGGTGG[TAG>T]AGAGTCACTTACATGGCTCTGGTTTCCCGATGTCCTCTTGTGGCTAAGGATGTCGTGGGC-3'

ClinVar aggregate classification (germline): Likely benign. Review status: criteria provided, multiple submitters, no conflicts (2 of 4 stars). 2 submissions from 2 submitters: Likely benign (2). Last evaluated 2025-12-15.

Conditions:
Neuronal ceroid lipofuscinosis. Also called: Neuronal Ceroid Lipofuscinoses. Identifiers: Orphanet 216, Orphanet 79263, MedGen C0027877, MONDO:0016295. Disease mechanism: loss of function.

Submissions (2):

Labcorp Genetics (formerly Invitae), Labcorp
Classification: Likely benign for Neuronal ceroid lipofuscinosis. Last evaluated: 2025-12-15. Review status: criteria provided, single submitter. Criteria: Invitae Variant Classification Sherloc (09022015). Collection method: clinical testing. Allele origin: germline.

GeneDx
Classification: Likely benign. Last evaluated: 2016-05-25. Review status: criteria provided, single submitter. Criteria: GeneDx Variant Classification (06012015). Collection method: clinical testing. Allele origin: germline. Affected: yes.
Comment: This variant is considered likely benign or benign based on one or more of the following criteria: it is a conservative change, it occurs at a poorly conserved position in the protein, it is predicted to be benign by multiple in silico algorithms, and/or has population frequency not consistent with disease.